The following is an entry in ClinVar:

NM_001142864.4(PIEZO1):c.1270T>C (p.Tyr424His)

Genes: HSALR1 (HSP90AB1 associated lncRNA 1; plus strand), PIEZO1 (piezo type mechanosensitive ion channel component 1 (Er blood group); minus strand). Cytogenetic location: 16q24.3.
Variant type: single nucleotide variant.
Coding change: c.1270T>C on transcript NM_001142864.4 (MANE Select); coding-DNA position 1270, T replaced by C.
Protein change: p.Tyr424His; replaces tyrosine 424 with histidine.
Molecular consequence: missense variant.
Genome position (GRCh38, 1-based): chr16:88,736,665, A>G on the plus strand (T>C on the coding strand, the complement: PIEZO1 is on the minus strand). VCF-style: chr16-88736665-A-G. GRCh37 (hg19) VCF-style: chr16-88803073-A-G.
Other names: p.Tyr424His; c.1270T>C (NM_001142864.3); c.1270T>C, p.Tyr424His (LRG_1137t1); short protein forms Y424H.
Identifiers: ClinVar variation 252539 (VCV000252539.21), dbSNP rs759627248, ClinGen allele CA8233050.

ClinVar aggregate classification (germline): Conflicting classifications of pathogenicity. Review status: criteria provided, conflicting classifications (1 of 4 stars). 6 submissions from 6 submitters: Uncertain significance (2); Benign (1); Likely benign (2). 1 of the submissions does not count toward it. Last evaluated 2025-09-03.

Conditions:
PIEZO1-related disorder. Also called: PIEZO1-Related Disorders; PIEZO1-related condition.

Allele frequency attached by ClinVar (database versions not stated): ExAC 0.00014; 1000 Genomes Project 30x 0.00047; gnomAD 0.00094 and 0.00103; TOPMed 0.00122.
gnomAD v4.1: 254 of 1,532,762 alleles (0.017%); highest among the groups gnomAD compares: African/African-American, 0.26%; 1 homozygote.

Submissions (6):

Labcorp Genetics (formerly Invitae), Labcorp
Classification: Benign. Last evaluated: 2025-09-03. Review status: criteria provided, single submitter. Criteria: Invitae Variant Classification Sherloc (09022015). Collection method: clinical testing. Allele origin: germline.

ARUP Laboratories, Molecular Genetics and Genomics, ARUP Laboratories
Classification: Likely benign. Last evaluated: 2025-03-05. Review status: criteria provided, single submitter. Criteria: ARUP Molecular Germline Variant Investigation Process 2024. Collection method: clinical testing. Allele origin: germline.

Blueprint Genetics
Classification: Likely benign. Last evaluated: 2024-06-10. Review status: criteria provided, single submitter. Criteria: ACMG Guidelines, 2015. Collection method: clinical testing. Allele origin: germline.

Mayo Clinic Laboratories, Mayo Clinic
Classification: Uncertain significance. Last evaluated: 2021-12-27. Review status: criteria provided, single submitter. Criteria: ACMG Guidelines, 2015. Collection method: clinical testing. Allele origin: germline.

Genomic Diagnostic Laboratory, Division of Genomic Diagnostics, Children's Hospital of Philadelphia
Classification: Uncertain significance. Last evaluated: 2015-10-30. Review status: criteria provided, single submitter. Criteria: DGD Variant Analysis Guidelines. Collection method: clinical testing. Allele origin: unknown.

PreventionGenetics, part of Exact Sciences
Classification: Likely benign for PIEZO1-related condition. Last evaluated: 2023-12-27. Review status: no assertion criteria provided. Collection method: clinical testing. Allele origin: germline. Not counted in ClinVar's aggregate classification.
Comment: This variant is classified as likely benign based on ACMG/AMP sequence variant interpretation guidelines (Richards et al. 2015 PMID: 25741868, with internal and published modifications).